The following is an entry in ClinVar:

ClinVar aggregate classification (germline): Benign. Review status: criteria provided, multiple submitters, no conflicts (2 of 4 stars). 15 submissions from 11 submitters: Benign (14). 1 of the submissions does not count toward it. Last evaluated 2026-02-04.

Conditions:
Usher syndrome type 1 (USH1). Also called: RETINITIS PIGMENTOSA AND CONGENITAL DEAFNESS. Identifiers: Orphanet 231169, Orphanet 886, MedGen C1568247, MONDO:0010168, OMIM 276900.
Usher syndrome type 1B (USH1B). Also called: Usher syndrome type IB. Identifiers: MedGen C1848638, MONDO:0700087.
Autosomal recessive nonsyndromic hearing loss 2. Also called: DEAFNESS, AUTOSOMAL RECESSIVE 2; NEUROSENSORY NONSYNDROMIC RECESSIVE DEAFNESS 2. Identifiers: Orphanet 90636, MedGen C1838701, MONDO:0010807, OMIM 600060.
Autosomal dominant nonsyndromic hearing loss 11. Identifiers: Orphanet 90635, MedGen C1832475, MONDO:0011032, OMIM 601317.

Allele frequency attached by ClinVar (database versions not stated): gnomAD 0.56045 and 0.56654; TOPMed 0.56101; gnomAD exomes 0.56117 and 0.56209; ExAC 0.56750; 1000 Genomes Project 0.51298; 1000 Genomes Project 30x 0.51562; ESP Exome Variant Server 0.55965.
gnomAD v4.1: 893,811 of 1,593,946 alleles (56%); highest among the groups gnomAD compares: Admixed American, 66%; 253,876 homozygotes.

Submissions (15):

Labcorp Genetics (formerly Invitae), Labcorp
Classification: Benign. Last evaluated: 2026-02-04. Review status: criteria provided, single submitter. Criteria: Invitae Variant Classification Sherloc (09022015). Collection method: clinical testing. Allele origin: germline.

Women's Health and Genetics/Laboratory Corporation of America, LabCorp
Classification: Benign. Last evaluated: 2025-05-22. Review status: criteria provided, single submitter. Criteria: LabCorp Variant Classification Summary - May 2015. Collection method: clinical testing. Allele origin: germline.

Genome-Nilou Lab
Classification: Benign for Autosomal dominant nonsyndromic hearing loss 11. Last evaluated: 2021-07-01. Review status: criteria provided, single submitter. Criteria: ACMG Guidelines, 2015. Collection method: clinical testing. Allele origin: germline. Affected: no.

Genome-Nilou Lab
Classification: Benign for Autosomal recessive nonsyndromic hearing loss 2. Last evaluated: 2021-07-01. Review status: criteria provided, single submitter. Criteria: ACMG Guidelines, 2015. Collection method: clinical testing. Allele origin: germline. Affected: no.

Genome-Nilou Lab
Classification: Benign for Usher syndrome type 1. Last evaluated: 2021-07-01. Review status: criteria provided, single submitter. Criteria: ACMG Guidelines, 2015. Collection method: clinical testing. Allele origin: germline. Affected: no.

Mayo Clinic Laboratories, Mayo Clinic
Classification: Benign. Last evaluated: 2020-08-28. Review status: criteria provided, single submitter. Criteria: ACMG Guidelines, 2015. Collection method: clinical testing. Allele origin: germline. Observed: 130 variant alleles.

Illumina Laboratory Services, Illumina
Classification: Benign for Autosomal dominant nonsyndromic hearing loss 11. Last evaluated: 2018-01-13. Review status: criteria provided, single submitter. Criteria: ICSL Variant Classification Criteria 13 December 2019. Collection method: clinical testing. Allele origin: germline.
Comment: This variant was observed in the ICSL laboratory as part of a predisposition screen in an ostensibly healthy population. It had not been previously curated by ICSL or reported in the Human Gene Mutation Database (HGMD: prior to June 1st, 2018), and was therefore a candidate for classification through an automated scoring system. Utilizing variant allele frequency, disease prevalence and penetrance estimates, and inheritance mode, an automated score was calculated to assess if this variant is too frequent to cause the disease. Based on the score and internal cut-off values, a variant classified as benign is not then subjected to further curation. The score for this variant resulted in a classification of benign for this disease.

Illumina Laboratory Services, Illumina
Classification: Benign for Usher syndrome type 1. Last evaluated: 2018-01-13. Review status: criteria provided, single submitter. Criteria: ICSL Variant Classification Criteria 13 December 2019. Collection method: clinical testing. Allele origin: germline.
Comment: the same text as in the submission from Illumina Laboratory Services, Illumina above.

Illumina Laboratory Services, Illumina
Classification: Benign for Autosomal recessive nonsyndromic hearing loss 2. Last evaluated: 2018-01-13. Review status: criteria provided, single submitter. Criteria: ICSL Variant Classification Criteria 13 December 2019. Collection method: clinical testing. Allele origin: germline.
Comment: the same text as in the submission from Illumina Laboratory Services, Illumina above.

GeneDx
Classification: Benign. Last evaluated: 2015-03-03. Review status: criteria provided, single submitter. Criteria: GeneDx Variant Classification Process June 2021. Collection method: clinical testing. Allele origin: germline. Affected: yes.

Eurofins Ntd Llc (ga)
Classification: Benign. Last evaluated: 2014-11-19. Review status: criteria provided, single submitter. Criteria: EGL Classification Definitions 2015. Collection method: clinical testing. Allele origin: germline. Observed: 2 variant alleles, 2 homozygotes.

Laboratory for Molecular Medicine, Mass General Brigham Personalized Medicine
Classification: Benign. Last evaluated: 2007-03-08. Review status: criteria provided, single submitter. Criteria: LMM Criteria. Collection method: clinical testing. Allele origin: germline. Observed: 1,536 variant alleles.

Breakthrough Genomics
Classification: Benign. Review status: criteria provided, single submitter. Criteria: ACMG Guidelines, 2015. Collection method: not provided. Allele origin: germline. Inheritance: Autosomal recessive inheritance. Affected: yes.

PreventionGenetics, part of Exact Sciences
Classification: Benign. Review status: criteria provided, single submitter. Criteria: ACMG Guidelines, 2015. Collection method: clinical testing. Allele origin: germline.

Natera, Inc.
Classification: Benign for Usher syndrome type 1B. Last evaluated: 2020-09-16. Review status: no assertion criteria provided. Collection method: clinical testing. Allele origin: germline. Not counted in ClinVar's aggregate classification.

NM_000260.4(MYO7A):c.5857-7A>T

Gene: MYO7A (myosin VIIA; plus strand). Cytogenetic location: 11q13.5.
Variant type: single nucleotide variant.
Coding change: c.5857-7A>T on transcript NM_000260.4 (MANE Select); 7 bases into the intron before coding-DNA position 5857, A replaced by T.
Molecular consequence: intron variant.
Genome position (GRCh38, 1-based): chr11:77,208,423, A>T. VCF-style: chr11-77208423-A-T. GRCh37 (hg19) VCF-style: chr11-76919468-A-T.
Other names: p.?; c.5710-7A>T (NM_001369365.1); c.5743-7A>T (NM_001127180.2).
Identifiers: ClinVar variation 43303 (VCV000043303.30), dbSNP rs1320703, ClinGen allele CA132404.